The following is an entry in ClinVar:

NM_001145715.3(KPNA7):c.299A>G (p.Gln100Arg)

Gene: KPNA7 (karyopherin subunit alpha 7; minus strand). Cytogenetic location: 7q22.1.
Variant type: single nucleotide variant.
Coding change: c.299A>G on transcript NM_001145715.3 (MANE Select); coding-DNA position 299, A replaced by G.
Protein change: p.Gln100Arg; replaces glutamine 100 with arginine.
Molecular consequence: missense variant.
Genome position (GRCh38, 1-based): chr7:99,195,324, T>C on the plus strand (A>G on the coding strand, the complement: KPNA7 is on the minus strand). VCF-style: chr7-99195324-T-C. GRCh37 (hg19) VCF-style: chr7-98792947-T-C.
Other names: short protein forms Q100R.
Identifiers: ClinVar variation 1044608 (VCV001044608.9), dbSNP rs1790172422, ClinGen allele CA368420856.

ClinVar aggregate classification (germline): Uncertain significance (1 of 4 stars; one submission).

Allele frequency attached by ClinVar (database versions not stated): gnomAD exomes below 0.00001.
gnomAD v4.1: 2 of 1,551,076 alleles (0.00013%); highest among the groups gnomAD compares: Non-Finnish European, 0.00017%; no homozygotes.

Submission:

Labcorp Genetics (formerly Invitae), Labcorp
Classification: Uncertain significance. Last evaluated: 2020-10-16. Review status: criteria provided, single submitter. Criteria: Invitae Variant Classification Sherloc (09022015). Collection method: clinical testing. Allele origin: germline.
Comment: This variant is not present in population databases (ExAC no frequency). This sequence change replaces glutamine with arginine at codon 100 of the KPNA7 protein (p.Gln100Arg). The glutamine residue is weakly conserved and there is a small physicochemical difference between glutamine and arginine. This variant has not been reported in the literature in individuals with KPNA7-related conditions. Algorithms developed to predict the effect of missense changes on protein structure and function output the following: SIFT: "Tolerated"; PolyPhen-2: "Benign"; Align-GVGD: "Class C0". The arginine amino acid residue is found in multiple mammalian species, suggesting that this missense change does not adversely affect protein function. These predictions have not been confirmed by published functional studies and their clinical significance is uncertain. In summary, the available evidence is currently insufficient to determine the role of this variant in disease. Therefore, it has been classified as a Variant of Uncertain Significance.